The following is an entry in ClinVar:

ClinVar aggregate classification (germline): Likely pathogenic (0 of 4 stars; one submission).

Conditions:
Citrullinemia. Identifiers: Orphanet 187, MedGen C0175683, MONDO:0015991.

gnomAD v4.1: 1 of 1,613,322 alleles (0.000062%); highest among the groups gnomAD compares: Non-Finnish European, 0.000085%; no homozygotes.

Submission:

Clinical Genetics and Genomics Laboratory, Noor Shahriyar Hospital
Classification: Likely pathogenic for Citrullinemia. Last evaluated: 2022-03-04. Review status: no assertion criteria provided. Collection method: clinical testing. Allele origin: biparental.
Comment: The NM_054012 c.1186T>A, is a missense variant in ASS1 which resulted in symptoms and signs in association with the nonsense variation (c.1167_1168insC) resulting in a premature stop codon; as a compound heterozygote state. It may be considered as "Pathogenic" by considering the Clinical Manifestation/data and Computational Prediction based on the guideline from ACMG. This variation has been detected in compound heterozygosity with c.1167_1168insC.

Variant c.1186T>A (in ASS1 gene) was first seen in persian population with CTLN1 (PMID:35433176)

Literature cited by the submitters: PubMed 35433176.

NM_054012.4(ASS1):c.1186T>A (p.Ser396Thr)

Gene: ASS1 (argininosuccinate synthase 1; plus strand). Cytogenetic location: 9q34.11.
Variant type: single nucleotide variant.
Coding change: c.1186T>A on transcript NM_054012.4 (MANE Select); coding-DNA position 1186, T replaced by A.
Protein change: p.Ser396Thr; replaces serine 396 with threonine.
Molecular consequence: missense variant.
Genome position (GRCh38, 1-based): chr9:130,499,563, T>A. VCF-style: chr9-130499563-T-A. GRCh37 (hg19) VCF-style: chr9-133374950-T-A.
Other names: c.1186T>A, p.Ser396Thr (NM_000050.4); c.[1186T>A] (NM_054012.4); short protein forms S396T.
Identifiers: ClinVar variation 3384169 (VCV003384169.1).